The following is an entry in ClinVar:

ClinVar aggregate classification (germline): Uncertain significance (1 of 4 stars; one submission).

Allele frequency attached by ClinVar (database versions not stated): TOPMed below 0.00001; gnomAD exomes 0.00001; ExAC 0.00004.
gnomAD v4.1: 4 of 1,585,686 alleles (0.00025%); highest among the groups gnomAD compares: Admixed American, 0.0071%; no homozygotes.

Submission:

Labcorp Genetics (formerly Invitae), Labcorp
Classification: Uncertain significance. Last evaluated: 2024-06-17. Review status: criteria provided, single submitter. Criteria: Invitae Variant Classification Sherloc (09022015). Collection method: clinical testing. Allele origin: germline.
Comment: This sequence change replaces valine, which is neutral and non-polar, with alanine, which is neutral and non-polar, at codon 18 of the COL9A2 protein (p.Val18Ala). This variant is present in population databases (rs758051363, gnomAD 0.01%). This variant has not been reported in the literature in individuals affected with COL9A2-related conditions. ClinVar contains an entry for this variant (Variation ID: 1494354). Advanced modeling of protein sequence and biophysical properties (such as structural, functional, and spatial information, amino acid conservation, physicochemical variation, residue mobility, and thermodynamic stability) performed at Invitae indicates that this missense variant is not expected to disrupt COL9A2 protein function with a negative predictive value of 95%. In summary, the available evidence is currently insufficient to determine the role of this variant in disease. Therefore, it has been classified as a Variant of Uncertain Significance.

NM_001852.4(COL9A2):c.53T>C (p.Val18Ala)

Gene: COL9A2 (collagen type IX alpha 2 chain; minus strand). Cytogenetic location: 1p34.2.
Variant type: single nucleotide variant.
Coding change: c.53T>C on transcript NM_001852.4 (MANE Select); coding-DNA position 53, T replaced by C.
Protein change: p.Val18Ala; replaces valine 18 with alanine.
Molecular consequence: missense variant.
Genome position (GRCh38, 1-based): chr1:40,317,145, A>G on the plus strand (T>C on the coding strand, the complement: COL9A2 is on the minus strand). VCF-style: chr1-40317145-A-G. GRCh37 (hg19) VCF-style: chr1-40782817-A-G.
Other names: short protein forms V18A.
Identifiers: ClinVar variation 1494354 (VCV001494354.8), dbSNP rs758051363, ClinGen allele CA792129.